The following is an entry in ClinVar:

ClinVar aggregate classification (germline): Uncertain significance (1 of 4 stars; one submission).

Conditions:
Bethlem myopathy 1A. Also called: Bethlem Muscular Dystrophy; MYOPATHY, BENIGN CONGENITAL, WITH CONTRACTURES; Bethlem myopathy 1. Identifiers: Orphanet 610, MedGen CN029274, MONDO:0024530, OMIM 158810.

Allele frequency attached by ClinVar (database versions not stated): gnomAD exomes below 0.00001; TOPMed below 0.00001; gnomAD 0.00001.
gnomAD v4.1: 5 of 1,609,086 alleles (0.00031%); highest among the groups gnomAD compares: Non-Finnish European, 0.00042%; no homozygotes.

Submission:

Labcorp Genetics (formerly Invitae), Labcorp
Classification: Uncertain significance for Bethlem myopathy 1A. Last evaluated: 2023-04-18. Review status: criteria provided, single submitter. Criteria: Invitae Variant Classification Sherloc (09022015). Collection method: clinical testing. Allele origin: germline.
Comment: In summary, the available evidence is currently insufficient to determine the role of this variant in disease. Therefore, it has been classified as a Variant of Uncertain Significance. Advanced modeling of protein sequence and biophysical properties (such as structural, functional, and spatial information, amino acid conservation, physicochemical variation, residue mobility, and thermodynamic stability) performed at Invitae indicates that this missense variant is not expected to disrupt COL6A2 protein function. ClinVar contains an entry for this variant (Variation ID: 2199806). This variant has not been reported in the literature in individuals affected with COL6A2-related conditions. This variant is not present in population databases (gnomAD no frequency). This sequence change replaces proline, which is neutral and non-polar, with leucine, which is neutral and non-polar, at codon 221 of the COL6A2 protein (p.Pro221Leu).

NM_001849.4(COL6A2):c.662C>T (p.Pro221Leu)

Gene: COL6A2 (collagen type VI alpha 2 chain; plus strand). Cytogenetic location: 21q22.3.
Variant type: single nucleotide variant.
Coding change: c.662C>T on transcript NM_001849.4 (MANE Select); coding-DNA position 662, C replaced by T.
Protein change: p.Pro221Leu; replaces proline 221 with leucine.
Molecular consequence: missense variant.
Genome position (GRCh38, 1-based): chr21:46,112,525, C>T. VCF-style: chr21-46112525-C-T. GRCh37 (hg19) VCF-style: chr21-47532439-C-T.
Other names: c.662C>T, p.Pro221Leu (NM_058174.3, NM_058175.3); short protein forms P221L.
Identifiers: ClinVar variation 2199806 (VCV002199806.4), dbSNP rs1601218962, ClinGen allele CA410522191.